The following is an entry in ClinVar:

NM_015450.3(POT1):c.703-3del

Gene: POT1 (protection of telomeres 1; minus strand). Cytogenetic location: 7q31.33.
Variant type: Deletion.
Coding change: c.703-3del on transcript NM_015450.3 (MANE Select); 3 bases into the intron before coding-DNA position 703, one base deleted (T; older notation c.703-3delT).
Molecular consequence: intron variant.
Genome position (GRCh38, 1-based): chr7:124,853,141, A deleted on the plus strand (T on the coding strand, the reverse complement: POT1 is on the minus strand); the first of 6 consecutive A bases (chr7:124,853,141-124,853,146); deleting any one gives the same sequence. VCF-style (leftmost placement, unchanged base first): chr7-124853140-TA-T. GRCh37 (hg19) VCF-style: chr7-124493194-TA-T.
Other names: NC_000007.13:g.124493200del; c.703-8del (NM_015450.3); c.310-3del (NM_001042594.2).
Identifiers: ClinVar variation 1601419 (VCV001601419.11), dbSNP rs1584765789, ClinGen allele CA645541560.

ClinVar aggregate classification (germline): Conflicting classifications of pathogenicity. Review status: criteria provided, conflicting classifications (1 of 4 stars). 2 submissions from 2 submitters: Uncertain significance (1); Benign (1). Last evaluated 2025-01-29.

Conditions:
Tumor predisposition syndrome 3 (TPDS3). Also called: Glioma susceptibility 9; LONG TELOMERE SYNDROME, POT1-RELATED; POT1 Tumor Predisposition; Melanoma, cutaneous malignant, susceptibility to, 10. Identifiers: Orphanet 618, MedGen C4014476, MONDO:0014368, OMIM 615848.
Hereditary cancer-predisposing syndrome. Also called: Neoplastic Syndromes, Hereditary; Tumor predisposition; Hereditary Cancer Syndrome; Hereditary neoplastic syndrome. Identifiers: Orphanet 140162, MedGen C0027672, MeSH D009386, MONDO:0015356.

Submissions (3):

Labcorp Genetics (formerly Invitae), Labcorp
Classification: Benign for Tumor predisposition syndrome 3. Last evaluated: 2025-01-29. Review status: criteria provided, single submitter. Criteria: Invitae Variant Classification Sherloc (09022015). Collection method: clinical testing. Allele origin: germline.

Ambry Genetics
Classification: Uncertain significance for Hereditary cancer-predisposing syndrome. Last evaluated: 2023-06-23. Review status: criteria provided, single submitter. Criteria: Ambry Variant Classification Scheme 2023. Collection method: clinical testing. Allele origin: germline.
Comment: The c.703-3delT intronic variant is located 3 nucleotides before coding exon 6 of the POT1 gene. This variant results from a deletion of one nucleotide at position c.703-3. This nucleotide position is well conserved in available vertebrate species. In silico splice site analysis for this alteration is inconclusive. Since supporting evidence is limited at this time, the clinical significance of this alteration remains unclear.

Dr. Peter K. Rogan Lab, Western University
No classification provided (evidence only). Condition: Cervical cancer. Review status: no classification provided. Collection method: in vitro. Allele origin: not applicable. Functional consequence: retained intron. Not counted in ClinVar's aggregate classification.